The following is an entry in ClinVar:

ClinVar aggregate classification (germline): Uncertain significance (1 of 4 stars; one submission).

Conditions:
Galactosylceramide beta-galactosidase deficiency. Also called: Krabbe Disease; Leukodystrophy, Globoid Cell; GALACTOCEREBROSIDASE DEFICIENCY; GALC DEFICIENCY; GLOBOID CELL LEUKOENCEPHALOPATHY. Identifiers: Orphanet 487, MedGen C0023521, MONDO:0009499, OMIM 245200.

Allele frequency attached by ClinVar (database versions not stated): TOPMed below 0.00001; gnomAD 0.00001.
gnomAD v4.1: 3 of 1,580,460 alleles (0.00019%); highest among the groups gnomAD compares: Non-Finnish European, 0.00026%; no homozygotes.

Submission:

Labcorp Genetics (formerly Invitae), Labcorp
Classification: Uncertain significance for Galactosylceramide beta-galactosidase deficiency. Last evaluated: 2022-06-24. Review status: criteria provided, single submitter. Criteria: Invitae Variant Classification Sherloc (09022015). Collection method: clinical testing. Allele origin: germline.
Comment: This sequence change falls in intron 14 of the GALC gene. It does not directly change the encoded amino acid sequence of the GALC protein. It affects a nucleotide within the consensus splice site. This variant is present in population databases (no rsID available, gnomAD 0.007%). This variant has not been reported in the literature in individuals affected with GALC-related conditions. Variants that disrupt the consensus splice site are a relatively common cause of aberrant splicing (PMID: 17576681, 9536098). Algorithms developed to predict the effect of sequence changes on RNA splicing suggest that this variant is not likely to affect RNA splicing. In summary, the available evidence is currently insufficient to determine the role of this variant in disease. Therefore, it has been classified as a Variant of Uncertain Significance.

Literature cited by the submitters: PubMed 17576681; PubMed 9536098.

NM_000153.4(GALC):c.1670+6A>G

Gene: GALC (galactosylceramidase; minus strand). Cytogenetic location: 14q31.3.
Variant type: single nucleotide variant.
Coding change: c.1670+6A>G on transcript NM_000153.4 (MANE Select); 6 bases into the intron after coding-DNA position 1670, A replaced by G.
Molecular consequence: intron variant.
Genome position (GRCh38, 1-based): chr14:87,945,547, T>C on the plus strand (A>G on the coding strand, the complement: GALC is on the minus strand). VCF-style: chr14-87945547-T-C. GRCh37 (hg19) VCF-style: chr14-88411891-T-C.
Other names: c.1592+6A>G (NM_001201402.2); c.1601+6A>G (NM_001201401.2).
Identifiers: ClinVar variation 1904407 (VCV001904407.2), dbSNP rs911390493, ClinGen allele CA264683605.
Genomic context (GRCh38, chr14:87,945,547, plus strand): 5'-CAAAATGTACCTGACAATATTACAAGGGTATTTCAGCCAGATCCACATTGAGAACATCAA[T>C]CTTACCAGTTGTAGTCTCCTATAATACTGATTGTGTTGGATGCATCGGCAGCCCATGTAA-3'